The following is an entry in ClinVar:

ClinVar aggregate classification (germline): Conflicting classifications of pathogenicity. Review status: criteria provided, conflicting classifications (1 of 4 stars). 2 submissions from 2 submitters: Uncertain significance (1); Likely benign (1). Last evaluated 2024-01-06.

Conditions:
Inborn genetic diseases. Identifiers: MedGen C0950123, MeSH D030342.

Allele frequency attached by ClinVar (database versions not stated): TOPMed below 0.00001; gnomAD 0.00001; gnomAD exomes 0.00001; ExAC 0.00002.
gnomAD v4.1: 4 of 1,613,934 alleles (0.00025%); highest among the groups gnomAD compares: African/African-American, 0.0013%; no homozygotes.

Submissions (2):

Labcorp Genetics (formerly Invitae), Labcorp
Classification: Uncertain significance. Last evaluated: 2024-01-06. Review status: criteria provided, single submitter. Criteria: Invitae Variant Classification Sherloc (09022015). Collection method: clinical testing. Allele origin: germline.
Comment: This sequence change replaces histidine, which is basic and polar, with arginine, which is basic and polar, at codon 589 of the TOPORS protein (p.His589Arg). This variant is present in population databases (rs767276423, gnomAD 0.007%). This variant has not been reported in the literature in individuals affected with TOPORS-related conditions. ClinVar contains an entry for this variant (Variation ID: 998679). Algorithms developed to predict the effect of missense changes on protein structure and function output the following: SIFT: "Not Available"; PolyPhen-2: "Benign"; Align-GVGD: "Not Available". The arginine amino acid residue is found in multiple mammalian species, which suggests that this missense change does not adversely affect protein function. In summary, the available evidence is currently insufficient to determine the role of this variant in disease. Therefore, it has been classified as a Variant of Uncertain Significance.

Ambry Genetics
Classification: Likely benign for Inborn genetic diseases. Last evaluated: 2021-12-03. Review status: criteria provided, single submitter. Criteria: Ambry Variant Classification Scheme 2023. Collection method: clinical testing. Allele origin: germline.

NM_005802.5(TOPORS):c.1766A>G (p.His589Arg)

Gene: TOPORS (TOP1 binding arginine/serine rich protein, E3 ubiquitin ligase; minus strand). Cytogenetic location: 9p21.1.
Variant type: single nucleotide variant.
Coding change: c.1766A>G on transcript NM_005802.5 (MANE Select); coding-DNA position 1766, A replaced by G.
Protein change: p.His589Arg; replaces histidine 589 with arginine.
Molecular consequence: missense variant.
Genome position (GRCh38, 1-based): chr9:32,542,759, T>C on the plus strand (A>G on the coding strand, the complement: TOPORS is on the minus strand). VCF-style: chr9-32542759-T-C. GRCh37 (hg19) VCF-style: chr9-32542757-T-C.
Other names: c.1571A>G, p.His524Arg (NM_001195622.2); c.1766A>G (NM_005802.4); short protein forms H524R, H589R.
Identifiers: ClinVar variation 998679 (VCV000998679.9), dbSNP rs767276423, ClinGen allele CA5020474.